The following is an entry in ClinVar:

ClinVar aggregate classification (germline): Uncertain significance (1 of 4 stars; one submission).

Conditions:
Pityriasis rubra pilaris (PRP). Also called: Pityriasis rubra pilaris--familial type. Identifiers: Orphanet 2897, MedGen C0032027, MONDO:0100017, OMIM 173200, MONDO:0008251.
Psoriasis 2. Identifiers: MedGen C1864497, MONDO:0011269, OMIM 602723.

Allele frequency attached by ClinVar (database versions not stated): gnomAD 0.00002; gnomAD exomes 0.00002; TOPMed 0.00002; ExAC 0.00005.
gnomAD v4.1: 39 of 1,590,494 alleles (0.0025%); highest among the groups gnomAD compares: South Asian, 0.018%; no homozygotes.

Submission:

Labcorp Genetics (formerly Invitae), Labcorp
Classification: Uncertain significance for Pityriasis rubra pilaris; Psoriasis 2. Last evaluated: 2023-03-01. Review status: criteria provided, single submitter. Criteria: Invitae Variant Classification Sherloc (09022015). Collection method: clinical testing. Allele origin: germline.
Comment: This sequence change replaces glycine, which is neutral and non-polar, with arginine, which is basic and polar, at codon 260 of the CARD14 protein (p.Gly260Arg). This variant is present in population databases (rs772988369, gnomAD 0.02%). This variant has not been reported in the literature in individuals affected with CARD14-related conditions. ClinVar contains an entry for this variant (Variation ID: 565760). Advanced modeling of protein sequence and biophysical properties (such as structural, functional, and spatial information, amino acid conservation, physicochemical variation, residue mobility, and thermodynamic stability) performed at Invitae indicates that this missense variant is not expected to disrupt CARD14 protein function. In summary, the available evidence is currently insufficient to determine the role of this variant in disease. Therefore, it has been classified as a Variant of Uncertain Significance.

NM_001366385.1(CARD14):c.778G>A (p.Gly260Arg)

Gene: CARD14 (caspase recruitment domain family member 14; plus strand). Cytogenetic location: 17q25.3.
Variant type: single nucleotide variant.
Coding change: c.778G>A on transcript NM_001366385.1 (MANE Select); coding-DNA position 778, G replaced by A.
Protein change: p.Gly260Arg; replaces glycine 260 with arginine.
Molecular consequence: missense variant. On other transcripts: non-coding transcript variant (1).
Genome position (GRCh38, 1-based): chr17:80,188,479, G>A. VCF-style: chr17-80188479-G-A. GRCh37 (hg19) VCF-style: chr17-78162278-G-A.
Other names: c.778G>A, p.Gly260Arg (NM_024110.4, NM_001257970.1); c.67G>A, p.Gly23Arg (NM_052819.3); short protein forms G260R, G23R.
Identifiers: ClinVar variation 565760 (VCV000565760.9), dbSNP rs772988369, ClinGen allele CA8816517.